The following is an entry in ClinVar:

NM_005529.7(HSPG2):c.4363G>A (p.Glu1455Lys)

Gene: HSPG2 (heparan sulfate proteoglycan 2; minus strand). Cytogenetic location: 1p36.12.
Variant type: single nucleotide variant.
Coding change: c.4363G>A on transcript NM_005529.7 (MANE Select); coding-DNA position 4363, G replaced by A.
Protein change: p.Glu1455Lys; replaces glutamic acid 1455 with lysine.
Molecular consequence: missense variant.
Genome position (GRCh38, 1-based): chr1:21,865,317, C>T on the plus strand (G>A on the coding strand, the complement: HSPG2 is on the minus strand). VCF-style: chr1-21865317-C-T. GRCh37 (hg19) VCF-style: chr1-22191810-C-T.
Other names: c.4366G>A, p.Glu1456Lys (NM_001291860.2); short protein forms E1456K, E1455K.
Identifiers: ClinVar variation 1986891 (VCV001986891.3), dbSNP rs750944653, ClinGen allele CA672295.

ClinVar aggregate classification (germline): Uncertain significance (1 of 4 stars; one submission).

Allele frequency attached by ClinVar (database versions not stated): gnomAD exomes below 0.00001; gnomAD 0.00001; TOPMed 0.00001; ExAC 0.00002.
gnomAD v4.1: 4 of 1,613,978 alleles (0.00025%); highest among the groups gnomAD compares: African/African-American, 0.004%; no homozygotes.

Submission:

Labcorp Genetics (formerly Invitae), Labcorp
Classification: Uncertain significance. Last evaluated: 2024-10-28. Review status: criteria provided, single submitter. Criteria: Invitae Variant Classification Sherloc (09022015). Collection method: clinical testing. Allele origin: germline.
Comment: This sequence change replaces glutamic acid, which is acidic and polar, with lysine, which is basic and polar, at codon 1455 of the HSPG2 protein (p.Glu1455Lys). This variant is present in population databases (rs750944653, gnomAD 0.01%). This variant has not been reported in the literature in individuals affected with HSPG2-related conditions. ClinVar contains an entry for this variant (Variation ID: 1986891). An algorithm developed to predict the effect of missense changes on protein structure and function (PolyPhen-2) suggests that this variant is likely to be tolerated. In summary, the available evidence is currently insufficient to determine the role of this variant in disease. Therefore, it has been classified as a Variant of Uncertain Significance.